The following is an entry in ClinVar:

ClinVar aggregate classification (germline): Uncertain significance. Review status: criteria provided, multiple submitters, no conflicts (2 of 4 stars). 2 submissions from 2 submitters: Uncertain significance (2). Last evaluated 2025-02-05.

Conditions:
Desbuquois dysplasia 1 (DBQD1). Also called: MICROMELIC DWARFISM WITH VERTEBRAL AND METAPHYSEAL ABNORMALITIES AND ADVANCED CARPOTARSAL OSSIFICATION; DESBUQUOIS DYSPLASIA 1, KIM VARIANT. Identifiers: Orphanet 1425, MedGen C4012146, MONDO:0009629, OMIM 251450.
Inborn genetic diseases. Identifiers: MedGen C0950123, MeSH D030342.

Allele frequency attached by ClinVar (database versions not stated): gnomAD 0.00002; TOPMed 0.00002; ExAC 0.00004.

Submissions (2):

Ambry Genetics
Classification: Uncertain significance for Inborn genetic diseases. Last evaluated: 2025-02-05. Review status: criteria provided, single submitter. Criteria: Ambry Variant Classification Scheme 2023. Collection method: clinical testing. Allele origin: germline.

Labcorp Genetics (formerly Invitae), Labcorp
Classification: Uncertain significance for Desbuquois dysplasia 1. Last evaluated: 2022-07-14. Review status: criteria provided, single submitter. Criteria: Invitae Variant Classification Sherloc (09022015). Collection method: clinical testing. Allele origin: germline.
Comment: This sequence change replaces arginine, which is basic and polar, with cysteine, which is neutral and slightly polar, at codon 277 of the XYLT1 protein (p.Arg277Cys). This variant is present in population databases (rs764139799, gnomAD 0.009%). This variant has not been reported in the literature in individuals affected with XYLT1-related conditions. Algorithms developed to predict the effect of missense changes on protein structure and function are either unavailable or do not agree on the potential impact of this missense change (SIFT: "Tolerated"; PolyPhen-2: "Probably Damaging"; Align-GVGD: "Class C15"). In summary, the available evidence is currently insufficient to determine the role of this variant in disease. Therefore, it has been classified as a Variant of Uncertain Significance.

NM_022166.4(XYLT1):c.829C>T (p.Arg277Cys)

Gene: XYLT1 (xylosyltransferase 1; minus strand). Cytogenetic location: 16p12.3.
Variant type: single nucleotide variant.
Coding change: c.829C>T on transcript NM_022166.4 (MANE Select); coding-DNA position 829, C replaced by T.
Protein change: p.Arg277Cys; replaces arginine 277 with cysteine.
Molecular consequence: missense variant.
Genome position (GRCh38, 1-based): chr16:17,259,072, G>A on the plus strand (C>T on the coding strand, the complement: XYLT1 is on the minus strand). VCF-style: chr16-17259072-G-A. GRCh37 (hg19) VCF-style: chr16-17352929-G-A.
Other names: c.829C>T (NM_022166.3); short protein forms R277C.
Identifiers: ClinVar variation 2074445 (VCV002074445.2), dbSNP rs764139799, ClinGen allele CA7928100.